The following is an entry in ClinVar:

NM_173543.3(DZIP1L):c.205C>T (p.Arg69Trp)

Gene: DZIP1L (DAZ interacting zinc finger protein 1 like; minus strand). Cytogenetic location: 3q22.3.
Variant type: single nucleotide variant.
Coding change: c.205C>T on transcript NM_173543.3 (MANE Select); coding-DNA position 205, C replaced by T.
Protein change: p.Arg69Trp; replaces arginine 69 with tryptophan.
Molecular consequence: missense variant.
Genome position (GRCh38, 1-based): chr3:138,103,767, G>A on the plus strand (C>T on the coding strand, the complement: DZIP1L is on the minus strand). VCF-style: chr3-138103767-G-A. GRCh37 (hg19) VCF-style: chr3-137822609-G-A.
Other names: p.Arg69Trp; c.205C>T, p.Arg69Trp (NM_001170538.1); short protein forms R69W.
Identifiers: ClinVar variation 2395466 (VCV002395466.4), dbSNP rs545888037, ClinGen allele CA2635345.

ClinVar aggregate classification (germline): Uncertain significance. Review status: criteria provided, multiple submitters, no conflicts (2 of 4 stars). 2 submissions from 2 submitters: Uncertain significance (2). Last evaluated 2025-11-26.

Conditions:
Inborn genetic diseases. Identifiers: MedGen C0950123, MeSH D030342.

Allele frequency attached by ClinVar (database versions not stated): TOPMed 0.00008; gnomAD 0.00011; 1000 Genomes Project 30x 0.00031; 1000 Genomes Project 0.00020; gnomAD exomes 0.00004; ExAC 0.00005.

Submissions (2):

Ambry Genetics
Classification: Uncertain significance for Inborn genetic diseases. Last evaluated: 2025-11-26. Review status: criteria provided, single submitter. Criteria: Ambry Variant Classification Scheme 2023. Collection method: clinical testing. Allele origin: germline.

Mayo Clinic Laboratories, Mayo Clinic
Classification: Uncertain significance. Last evaluated: 2024-05-31. Review status: criteria provided, single submitter. Criteria: ACMG Guidelines, 2015. Collection method: clinical testing. Allele origin: germline. Observed: 1 variant allele.
Comment: BP4